The following is an entry in ClinVar:

NM_000260.4(MYO7A):c.1538A>T (p.Glu513Val)

Gene: MYO7A (myosin VIIA; plus strand). Cytogenetic location: 11q13.5.
Variant type: single nucleotide variant.
Coding change: c.1538A>T on transcript NM_000260.4 (MANE Select); coding-DNA position 1538, A replaced by T.
Protein change: p.Glu513Val; replaces glutamic acid 513 with valine.
Molecular consequence: missense variant.
Genome position (GRCh38, 1-based): chr11:77,162,314, A>T. VCF-style: chr11-77162314-A-T. GRCh37 (hg19) VCF-style: chr11-76873360-A-T.
Other names: c.1538A>T, p.Glu513Val (NM_001127180.2); c.1505A>T, p.Glu502Val (NM_001369365.1); short protein forms E502V, E513V.
Identifiers: ClinVar variation 3601453 (VCV003601453.1).

ClinVar aggregate classification (germline): Likely pathogenic (1 of 4 stars; one submission).

Conditions:
Autosomal recessive nonsyndromic hearing loss 2. Also called: NEUROSENSORY NONSYNDROMIC RECESSIVE DEAFNESS 2; DEAFNESS, AUTOSOMAL RECESSIVE 2. Identifiers: Orphanet 90636, MedGen C1838701, MONDO:0010807, OMIM 600060.

Submission:

Institute of Rare Diseases, West China Hospital, Sichuan University
Classification: Likely pathogenic for Autosomal recessive nonsyndromic hearing loss 2. Last evaluated: 2025-01-09. Review status: criteria provided, single submitter. Criteria: ClinGen HL ACMG Specifications v1. Collection method: research. Allele origin: germline. Affected: yes.
Comment: PM3_Strong;PM2_Supporting;PP3